The following is an entry in ClinVar:

ClinVar aggregate classification (germline): Likely benign. Review status: criteria provided, multiple submitters, no conflicts (2 of 4 stars). 5 submissions from 5 submitters: Likely benign (5). Last evaluated 2026-01-26.

Conditions:
Cardiovascular phenotype. Identifiers: MedGen CN230736.
Cardiac arrhythmia. Also called: Cardiac rhythm disease; Arrhythmia. Identifiers: MedGen C0003811, MONDO:0007263, HP:0011675.
Long QT syndrome (LQTS). Identifiers: MedGen C0023976, MeSH D008133, MONDO:0002442. Disease mechanism: loss of function. Inheritance: Various modes of inheritance.

Allele frequency attached by ClinVar (database versions not stated): ExAC 0.00002; gnomAD exomes 0.00002 and 0.00005; TOPMed 0.00002; gnomAD 0.00005; ESP Exome Variant Server 0.00008.
gnomAD v4.1: 40 of 1,613,602 alleles (0.0025%); highest among the groups gnomAD compares: Admixed American, 0.005%; no homozygotes.

Submissions (5):

Labcorp Genetics (formerly Invitae), Labcorp
Classification: Likely benign for Long QT syndrome. Last evaluated: 2026-01-26. Review status: criteria provided, single submitter. Criteria: Invitae Variant Classification Sherloc (09022015). Collection method: clinical testing. Allele origin: germline.

All of Us Research Program, National Institutes of Health
Classification: Likely benign for Long QT syndrome. Last evaluated: 2024-02-05. Review status: criteria provided, single submitter. Criteria: ACMG Guidelines, 2015. Collection method: clinical testing. Allele origin: germline. Inheritance: Autosomal dominant inheritance. Observed: 12 variant alleles, 12 heterozygotes.
Comment: This study involves interpretation of variants in research participants for the purpose of population health screening. Participant phenotype was not available at the time of variant classification. Additional details can be found in publication PMID: 35346344, PMCID: PMC8962531

Blueprint Genetics
Classification: Likely benign. Last evaluated: 2021-10-12. Review status: criteria provided, single submitter. Criteria: ACMG Guidelines, 2015. Collection method: clinical testing. Allele origin: germline.

Ambry Genetics
Classification: Likely benign for Cardiovascular phenotype. Last evaluated: 2021-07-30. Review status: criteria provided, single submitter. Criteria: Ambry Variant Classification Scheme 2023. Collection method: clinical testing. Allele origin: germline.

Color Diagnostics, LLC DBA Color Health
Classification: Likely benign for Arrhythmia. Last evaluated: 2019-07-09. Review status: criteria provided, single submitter. Criteria: ACMG Guidelines, 2015. Collection method: clinical testing. Allele origin: germline.

NM_000218.3(KCNQ1):c.1761G>A (p.Thr587=)

Gene: KCNQ1 (potassium voltage-gated channel subfamily Q member 1; plus strand). Cytogenetic location: 11p15.5.
Variant type: single nucleotide variant.
Coding change: c.1761G>A on transcript NM_000218.3 (MANE Select); coding-DNA position 1761, G replaced by A.
Protein change: p.Thr587=; no amino-acid change (threonine 587 retained).
Molecular consequence: synonymous variant.
Genome position (GRCh38, 1-based): chr11:2,778,004, G>A. VCF-style: chr11-2778004-G-A. GRCh37 (hg19) VCF-style: chr11-2799234-G-A.
Other names: c.1665G>A, p.Thr555= (NM_001406836.1); c.1491G>A, p.Thr497= (NM_001406837.1); c.1221G>A, p.Thr407= (NM_001406838.1); c.273G>A, p.Thr91= (NM_001406839.1); c.1380G>A, p.Thr460= (NM_181798.2).
Identifiers: ClinVar variation 413282 (VCV000413282.30), dbSNP rs148794853, ClinGen allele CA032664.